The following is an entry in ClinVar:

ClinVar aggregate classification (germline): Likely pathogenic (1 of 4 stars; one submission).

Conditions:
Gaucher disease. Also called: Acute cerebral Gaucher disease; Cerebroside lipidosis syndrome; Gaucher splenomegaly; Sphingolipidosis 1; Glucocerebrosidosis; Glucosylceramidase deficiency. Identifiers: Orphanet 355, MedGen C0017205, MONDO:0018150.

Submission:

Natera, Inc.
Classification: Likely pathogenic for Gaucher disease. Last evaluated: 2025-12-17. Review status: criteria provided, single submitter. Criteria: Natera Variant Classification Schema (03/2026). Collection method: clinical testing. Allele origin: germline.
Comment: The c.626G>T variant in GBA1 is a missense variant predicted to cause substitution of arginine to leucine at amino acid 209. This variant is rare in the general population with a frequency below the threshold expected for the associated phenotype(s). This variant has been observed in one or more individuals affected with the associated recessive disease, as either homozygous or compound heterozygous with a second variant (PMID: 12595585, 10685993). A different variant at the same position has been determined to be Pathogenic or Likely Pathogenic. Given the available evidence, this variant is classified as Likely Pathogenic.

Literature cited by the submitters: PubMed 12595585; PubMed 10685993.

NM_000157.4(GBA1):c.626G>T (p.Arg209Leu)

Genes: GBA1 (glucosylceramidase beta 1; minus strand), LOC106627981 (GBA recombination region; plus strand). Cytogenetic location: 1q22.
Variant type: single nucleotide variant.
Coding change: c.626G>T on transcript NM_000157.4 (MANE Select); coding-DNA position 626, G replaced by T.
Protein change: p.Arg209Leu; replaces arginine 209 with leucine.
Molecular consequence: missense variant.
Genome position (GRCh38, 1-based): chr1:155,238,269, C>A on the plus strand (G>T on the coding strand, the complement: GBA1 is on the minus strand). VCF-style: chr1-155238269-C-A. GRCh37 (hg19) VCF-style: chr1-155208060-C-A.
Other names: c.626G>T, p.Arg209Leu (NM_001005741.3, NM_001005742.3); c.365G>T, p.Arg122Leu (NM_001171811.2); c.479G>T, p.Arg160Leu (NM_001171812.2); short protein forms R122L, R160L, R209L.
Identifiers: ClinVar variation 4817786 (VCV004817786.1).